The following is an entry in ClinVar:

NM_001134363.3(RBM20):c.2425C>G (p.Pro809Ala)

Gene: RBM20 (RNA binding motif protein 20; plus strand). Cytogenetic location: 10q25.2.
Variant type: single nucleotide variant.
Coding change: c.2425C>G on transcript NM_001134363.3 (MANE Select); coding-DNA position 2425, C replaced by G.
Protein change: p.Pro809Ala; replaces proline 809 with alanine.
Molecular consequence: missense variant.
Genome position (GRCh38, 1-based): chr10:110,812,822, C>G. VCF-style: chr10-110812822-C-G. GRCh37 (hg19) VCF-style: chr10-112572580-C-G.
Other names: short protein forms P809A.
Identifiers: ClinVar variation 3787505 (VCV003787505.2).

ClinVar aggregate classification (germline): Uncertain significance. Review status: criteria provided, multiple submitters, no conflicts (2 of 4 stars). 2 submissions from 2 submitters: Uncertain significance (2). Last evaluated 2025-06-25.

Conditions:
Dilated cardiomyopathy 1DD (CMD1DD). Identifiers: Orphanet 154, MedGen C2750995, MONDO:0013168, OMIM 613172.
Cardiovascular phenotype. Identifiers: MedGen CN230736.

gnomAD v4.1: 6 of 1,546,750 alleles (0.00039%); highest among the groups gnomAD compares: Non-Finnish European, 0.00035%; no homozygotes.

Submissions (2):

Labcorp Genetics (formerly Invitae), Labcorp
Classification: Uncertain significance for Dilated cardiomyopathy 1DD. Last evaluated: 2025-06-25. Review status: criteria provided, single submitter. Criteria: Invitae Variant Classification Sherloc (09022015). Collection method: clinical testing. Allele origin: germline.
Comment: This sequence change replaces proline, which is neutral and non-polar, with alanine, which is neutral and non-polar, at codon 809 of the RBM20 protein (p.Pro809Ala). This variant is not present in population databases (gnomAD no frequency). This variant has not been reported in the literature in individuals affected with RBM20-related conditions. ClinVar contains an entry for this variant (Variation ID: 3787505). Invitae Evidence Modeling of protein sequence and biophysical properties (such as structural, functional, and spatial information, amino acid conservation, physicochemical variation, residue mobility, and thermodynamic stability) indicates that this missense variant is not expected to disrupt RBM20 protein function with a negative predictive value of 95%. In summary, the available evidence is currently insufficient to determine the role of this variant in disease. Therefore, it has been classified as a Variant of Uncertain Significance.

Ambry Genetics
Classification: Uncertain significance for Cardiovascular phenotype. Last evaluated: 2024-12-31. Review status: criteria provided, single submitter. Criteria: Ambry Variant Classification Scheme 2023. Collection method: clinical testing. Allele origin: germline.
Comment: The p.P809A variant (also known as c.2425C>G), located in coding exon 9 of the RBM20 gene, results from a C to G substitution at nucleotide position 2425. The proline at codon 809 is replaced by alanine, an amino acid with highly similar properties. This amino acid position is conserved. In addition, this alteration is predicted to be tolerated by in silico analysis. Based on the available evidence, the clinical significance of this variant remains unclear.